The following is an entry in ClinVar:

NM_080605.4(B3GALT6):c.423C>T (p.Ala141=)

Gene: B3GALT6 (beta-1,3-galactosyltransferase 6; plus strand). Cytogenetic location: 1p36.33.
Variant type: single nucleotide variant.
Coding change: c.423C>T on transcript NM_080605.4 (MANE Select); coding-DNA position 423, C replaced by T.
Protein change: p.Ala141=; no amino-acid change (alanine 141 retained).
Molecular consequence: synonymous variant.
Genome position (GRCh38, 1-based): chr1:1,232,701, C>T. VCF-style: chr1-1232701-C-T. GRCh37 (hg19) VCF-style: chr1-1168081-C-T.
Identifiers: ClinVar variation 3760728 (VCV003760728.2).

ClinVar aggregate classification (germline): Uncertain significance (1 of 4 stars; one submission).

Conditions:
Ehlers-Danlos syndrome, spondylodysplastic type, 2 (EDSSPD2). Also called: Ehlers-Danlos syndrome, progeroid type, 2. Identifiers: Orphanet 536467, Orphanet 75496, MedGen C3809210, MONDO:0014139, OMIM 615349.
Spondyloepimetaphyseal dysplasia with joint laxity (SEMDJL). Identifiers: MedGen C0432243, MONDO:0019675.

Submission:

Labcorp Genetics (formerly Invitae), Labcorp
Classification: Uncertain significance for Ehlers-Danlos syndrome, spondylodysplastic type, 2; Spondyloepimetaphyseal dysplasia with joint laxity. Last evaluated: 2024-10-02. Review status: criteria provided, single submitter. Criteria: Invitae Variant Classification Sherloc (09022015). Collection method: clinical testing. Allele origin: germline.
Comment: This sequence change affects codon 141 of the B3GALT6 mRNA. It is a 'silent' change, meaning that it does not change the encoded amino acid sequence of the B3GALT6 protein. The frequency data for this variant in the population databases is considered unreliable, as metrics indicate poor data quality at this position in the gnomAD database. This variant has not been reported in the literature in individuals affected with B3GALT6-related conditions. In summary, the available evidence is currently insufficient to determine the role of this variant in disease. Therefore, it has been classified as a Variant of Uncertain Significance.